The following is an entry in ClinVar:

ClinVar aggregate classification (germline): Uncertain significance (1 of 4 stars; one submission).

Conditions:
SCP2-related disorder. Also called: SCP2-related condition.

gnomAD v4.1: 1 of 1,596,716 alleles (0.000063%); no homozygotes.

Submission:

PreventionGenetics, part of Exact Sciences
Classification: Uncertain significance for SCP2-related condition. Last evaluated: 2026-01-13. Review status: criteria provided, single submitter. Criteria: ACMG Guidelines, 2015. Collection method: clinical testing. Allele origin: germline.
Comment: The SCP2 c.69G>A variant is not predicted to result in an amino acid change (p.=). To our knowledge, this variant has not been reported in the literature or in a large population database (gnomAD). At this time, the clinical significance of this variant is uncertain due to the absence of conclusive functional and genetic evidence.

NM_002979.5(SCP2):c.69G>A (p.Lys23=)

Gene: SCP2 (sterol carrier protein 2; plus strand). Cytogenetic location: 1p32.3.
Variant type: single nucleotide variant.
Coding change: c.69G>A on transcript NM_002979.5 (MANE Select); coding-DNA position 69, G replaced by A.
Protein change: p.Lys23=; no amino-acid change (lysine 23 retained).
Molecular consequence: synonymous variant. On other transcripts: 5 prime UTR variant (1).
Genome position (GRCh38, 1-based): chr1:52,927,465, G>A. VCF-style: chr1-52927465-G-A. GRCh37 (hg19) VCF-style: chr1-53393137-G-A.
Other names: c.69G>A, p.Lys23= (NM_001007098.3, NM_001193599.2, NM_001193600.2 and 1 more transcripts); c.-117G>A (NM_001193617.2).
Identifiers: ClinVar variation 4998068 (VCV004998068.1).